The following is an entry in ClinVar:

ClinVar aggregate classification (germline): Likely benign (1 of 4 stars; one submission).

Allele frequency attached by ClinVar (database versions not stated): gnomAD exomes below 0.00001.
gnomAD v4.1: 2 of 1,614,174 alleles (0.00012%); highest among the groups gnomAD compares: Non-Finnish European, 0.00017%; no homozygotes.

Submission:

CeGaT Center for Human Genetics Tuebingen
Classification: Likely benign. Last evaluated: 2024-02-01. Review status: criteria provided, single submitter. Criteria: CeGaT Center For Human Genetics Tuebingen Variant Classification Criteria Version 2. Collection method: clinical testing. Allele origin: germline. Affected: yes. Observed: 1 variant allele.
Comment: DCPS: PM2:Supporting, BP4, BP7

NM_014026.6(DCPS):c.897T>C (p.Ala299=)

Genes: DCPS (decapping enzyme, scavenger; plus strand), GSEC (G-quadruplex forming sequence containing lncRNA; minus strand). Cytogenetic location: 11q24.2.
Variant type: single nucleotide variant.
Coding change: c.897T>C on transcript NM_014026.6 (MANE Select); coding-DNA position 897, T replaced by C.
Protein change: p.Ala299=; no amino-acid change (alanine 299 retained).
Molecular consequence: synonymous variant.
Genome position (GRCh38, 1-based): chr11:126,345,496, T>C. VCF-style: chr11-126345496-T-C. GRCh37 (hg19) VCF-style: chr11-126215391-T-C.
Other names: c.918T>C, p.Ala306= (NM_001350236.2).
Identifiers: ClinVar variation 3026246 (VCV003026246.22), dbSNP rs1951915017, ClinGen allele CA477512267.
Genomic context (GRCh38, chr11:126,345,496, plus strand): 5'-CTTCACCGCCCTGGGCTTCGAGGCCCCCGGCTCAGGCGTGGAGCGGGCCCACCTGCTGGC[T>C]GAGGTGATCGAGAACTTGGAGTGTGACCCTAGGCACTACCAGCAGCGCACGCTCACCTTC-3'
Protein context (NP_054745.1, residues 289-309): GSGVERAHLL[Ala299=]EVIENLECDP